The following is an entry in ClinVar:

ClinVar aggregate classification (germline): Conflicting classifications of pathogenicity. Review status: criteria provided, conflicting classifications (1 of 4 stars). 3 submissions from 3 submitters: Uncertain significance (1); Likely benign (1). 1 of the submissions does not count toward it. Last evaluated 2026-01-07.

Conditions:
ABCC2-related disorder. Also called: ABCC2-related condition.

Allele frequency attached by ClinVar (database versions not stated): 1000 Genomes Project 30x 0.00016; gnomAD 0.00023 and 0.00024; ExAC 0.00007; gnomAD exomes 0.00002 and 0.00006; ESP Exome Variant Server 0.00015; 1000 Genomes Project 0.00020; TOPMed 0.00030.

Submissions (3):

Labcorp Genetics (formerly Invitae), Labcorp
Classification: Likely benign. Last evaluated: 2026-01-07. Review status: criteria provided, single submitter. Criteria: Invitae Variant Classification Sherloc (09022015). Collection method: clinical testing. Allele origin: germline.

Eurofins Ntd Llc (ga)
Classification: Uncertain significance. Last evaluated: 2017-05-31. Review status: criteria provided, single submitter. Criteria: EGL Classification Definitions 2015. Collection method: clinical testing. Allele origin: germline. Observed: 2 variant alleles, 2 heterozygotes.

PreventionGenetics, part of Exact Sciences
Classification: Likely benign for ABCC2-related condition. Last evaluated: 2019-05-23. Review status: no assertion criteria provided. Collection method: clinical testing. Allele origin: germline. Not counted in ClinVar's aggregate classification.
Comment: This variant is classified as likely benign based on ACMG/AMP sequence variant interpretation guidelines (Richards et al. 2015 PMID: 25741868, with internal and published modifications).

NM_000392.5(ABCC2):c.469-9T>C

Gene: ABCC2 (ATP binding cassette subfamily C member 2; plus strand). Cytogenetic location: 10q24.2.
Variant type: single nucleotide variant.
Coding change: c.469-9T>C on transcript NM_000392.5 (MANE Select); 9 bases into the intron before coding-DNA position 469, T replaced by C.
Molecular consequence: intron variant.
Genome position (GRCh38, 1-based): chr10:99,793,883, T>C. VCF-style: chr10-99793883-T-C. GRCh37 (hg19) VCF-style: chr10-101553640-T-C.
Other names: c.469-9T>C (LRG_1208t1, NM_000392.4).
Identifiers: ClinVar variation 291147 (VCV000291147.10), dbSNP rs147614414, ClinGen allele CA5642901.